The following is an entry in ClinVar:

NC_012920.1(MT-CYB):m.15071T>C

Gene: MT-CYB (mitochondrially encoded cytochrome b; plus strand).
Variant type: single nucleotide variant.
Genome position: chrM-15071-T-C.
Identifiers: ClinVar variation 445709 (VCV000445709.3), dbSNP rs199999794, ClinGen allele CA337100260.

ClinVar aggregate classification (germline): Benign/Likely benign. Review status: criteria provided, multiple submitters, no conflicts (2 of 4 stars). 2 submissions from 2 submitters: Benign (1); Likely benign (1). Last evaluated 2019-10-17.

Conditions:
Leigh syndrome (NULS). Also called: LEIGH SYNDROME, NUCLEAR; Leigh's necrotizing encephalopathy; Leigh's disease; Leigh Syndrome (mtDNA deletion); Leigh's syndrome; Leigh Disease. Identifiers: Orphanet 506, MedGen C2931891, MONDO:0009723, OMIM 256000.

Submissions (2):

Wong Mito Lab, Molecular and Human Genetics, Baylor College of Medicine
Classification: Benign for Leigh syndrome. Last evaluated: 2019-10-17. Review status: criteria provided, single submitter. Criteria: Modified ACMG Guidelines (Unpublished). Collection method: clinical testing. Allele origin: germline.
Comment: The NC_012920.1:m.15071T>C (YP_003024038.1:p.Tyr109His) variant in MTCYB gene is interpretated to be a Benign variant based on the modified ACMG guidelines (unpublished). This variant meets the following evidence codes: BS1, BS2, BP4

Center for Pediatric Genomic Medicine, Children's Mercy Hospital and Clinics
Classification: Likely benign. Last evaluated: 2017-06-26. Review status: criteria provided, single submitter. Criteria: ACMG Guidelines, 2015. Collection method: clinical testing. Allele origin: germline.